The following is an entry in ClinVar:

ClinVar aggregate classification (germline): Conflicting classifications of pathogenicity. Review status: criteria provided, conflicting classifications (1 of 4 stars). 14 submissions from 14 submitters: Uncertain significance (3); Benign (1); Likely benign (9). 1 of the submissions does not count toward it. Last evaluated 2026-07-01.

Conditions:
TTN-related disorder. Also called: TTN-related disorders; TTN-related condition; TTN-related disease.
Cardiovascular phenotype. Identifiers: MedGen CN230736.
Dilated cardiomyopathy 1G (CMD1G). Identifiers: Orphanet 154, MedGen C1858763, MONDO:0011400, OMIM 604145.
Autosomal recessive limb-girdle muscular dystrophy type 2J (LGMDR10). Also called: MUSCULAR DYSTROPHY, LIMB-GIRDLE, AUTOSOMAL RECESSIVE 10; Limb-girdle muscular dystrophy, type 2J. Identifiers: Orphanet 140922, MedGen C1837342, MONDO:0012127, OMIM 608807.
Cardiomyopathy (CMYO). Also called: Cardiomyopathies. Identifiers: Orphanet 167848, MedGen C0878544, MONDO:0004994, HP:0001638. Inheritance: Various modes of inheritance.
Tip-toe gait. Also called: Toe walking. Identifiers: MedGen C0427144, HP:0030051.

Allele frequency attached by ClinVar (database versions not stated): 1000 Genomes Project 0.00020; 1000 Genomes Project 30x 0.00016; gnomAD 0.00050 and 0.00051; gnomAD exomes 0.00054 and 0.00077; TOPMed 0.00060; ExAC 0.00061; ESP Exome Variant Server 0.00114.
gnomAD v4.1: 1,185 of 1,613,240 alleles (0.073%); highest among the groups gnomAD compares: Non-Finnish European, 0.096%; 1 homozygote.

Submissions (14):

CeGaT Center for Human Genetics Tuebingen
Classification: Likely benign. Last evaluated: 2026-07-01. Review status: criteria provided, single submitter. Criteria: CeGaT Center For Human Genetics Tuebingen Variant Classification Criteria Version 2. Collection method: clinical testing. Allele origin: germline. Affected: yes. Observed: 4 variant alleles.
Comment: TTN: BP4

Labcorp Genetics (formerly Invitae), Labcorp
Classification: Likely benign for Dilated cardiomyopathy 1G; Autosomal recessive limb-girdle muscular dystrophy type 2J. Last evaluated: 2026-02-01. Review status: criteria provided, single submitter. Criteria: Invitae Variant Classification Sherloc (09022015). Collection method: clinical testing. Allele origin: germline.

Mayo Clinic Laboratories, Mayo Clinic
Classification: Uncertain significance. Last evaluated: 2025-09-10. Review status: criteria provided, single submitter. Criteria: ACMG Guidelines, 2015. Collection method: clinical testing. Allele origin: germline. Observed: 4 variant alleles.
Comment: BP4

Molecular Diagnostic Laboratory for Inherited Cardiovascular Disease, Montreal Heart Institute
Classification: Likely benign. Last evaluated: 2025-04-09. Review status: criteria provided, single submitter. Criteria: ACMG Guidelines, 2015. Collection method: clinical testing. Allele origin: germline. Affected: no.

PreventionGenetics, part of Exact Sciences
Classification: Likely benign for TTN-related condition. Last evaluated: 2025-03-10. Review status: criteria provided, single submitter. Criteria: ACMG Guidelines, 2015. Collection method: clinical testing. Allele origin: germline.
Comment: This variant is classified as likely benign based on ACMG/AMP sequence variant interpretation guidelines (Richards et al. 2015 PMID: 25741868, with internal and published modifications).

Blueprint Genetics
Classification: Likely benign. Last evaluated: 2024-10-24. Review status: criteria provided, single submitter. Criteria: ACMG Guidelines, 2015. Collection method: clinical testing. Allele origin: germline.

Women's Health and Genetics/Laboratory Corporation of America, LabCorp
Classification: Likely benign. Last evaluated: 2021-12-19. Review status: criteria provided, single submitter. Criteria: LabCorp Variant Classification Summary - May 2015. Collection method: clinical testing. Allele origin: germline.

GeneDx
Classification: Likely benign. Last evaluated: 2020-11-27. Review status: criteria provided, single submitter. Criteria: GeneDx Variant Classification Process June 2021. Collection method: clinical testing. Allele origin: germline. Affected: yes.
Comment: This variant is associated with the following publications: (PMID: 23861362)

Ambry Genetics
Classification: Likely benign for Cardiovascular phenotype. Last evaluated: 2019-05-29. Review status: criteria provided, single submitter. Criteria: Ambry Variant Classification Scheme 2023. Collection method: clinical testing. Allele origin: germline.

Eurofins Ntd Llc (ga)
Classification: Uncertain significance. Last evaluated: 2018-08-17. Review status: criteria provided, single submitter. Criteria: EGL ClinVar v180209 classification definitions. Collection method: clinical testing. Allele origin: germline. Observed: 15 variant alleles, 15 heterozygotes.

CHEO Genetics Diagnostic Laboratory, Children's Hospital of Eastern Ontario
Classification: Benign for Cardiomyopathy. Last evaluated: 2017-11-16. Review status: criteria provided, single submitter. Criteria: ACMG Guidelines, 2015. Collection method: clinical testing. Allele origin: germline.

Laboratory for Molecular Medicine, Mass General Brigham Personalized Medicine
Classification: Uncertain significance. Last evaluated: 2015-04-14. Review status: criteria provided, single submitter. Criteria: LMM Criteria. Collection method: clinical testing. Allele origin: germline. Observed: 1 variant allele.
Comment: Variant classified as Uncertain Significance - Favor Benign. The p.Ala23171Gly v ariant in TTN has not been previously reported in individuals with cardiomyopath y, but has been identified in 0.1% (72/66702) of European chromosomes by the Exo me Aggregation Consortium (ExAC; dbSNP rs5639193 8). In addition, alanine (Ala) at position 23171 is not well conserved in evolut ion, suggesting that a change at this position may be tolerated. In summary, whi le the clinical significance of the p.Ala23171Gly variant is uncertain, its freq uency and lack of evolutionary conservation suggests that it is more likely to b e benign.

Biesecker Lab/Clinical Genomics Section, National Institutes of Health
Classification: Likely benign. Last evaluated: 2013-06-24. Review status: criteria provided, single submitter. Criteria: Ng et al. (Circ Cardiovasc Genet. 2013). Collection method: research. Allele origin: unknown. Observed: 2 variant alleles. Study: ClinSeq.
Comment: The study set was not selected for affection status in relation to any cancer. Pathogenicity categories were based on literature curation. See Pubmed ID:23861362 for details.

Medical sequencing

Practice for Gait Abnormalities, David Pomarino, Competency Network Toe Walking C/o Practice Pomarino
Classification: Likely pathogenic for Tip-toe gait. Review status: no assertion criteria provided. Collection method: clinical testing. Allele origin: germline. Affected: yes. Not counted in ClinVar's aggregate classification.
Comment: Myopathy refers to diseases that affect skeletal Muscles. These diseases attack muscle fibers, making muscles weak. Inherited myopathies are often caused by inheriting an abnormal gene mutation from a parent that causes the disease. Symptoms of congenital myopathies usually start at birth or in early childhood, but may not appear until the teen years or even later in adulthood. Congenital myopathies are somewhat unique compared with other inherited myopathies, as weakness typically affects all muscles and is often not progressive. Symptoms are: Muscle weakness, most commonly of upper arms and shoulders and thighs, muscle cramps, stiffness and spasms, fatigue with exertion and lack of energy. Our patients all walk on tiptoe, so they show similar symptoms. When we genetically test them with our toe walking panel, we find that around 90 per cent of them have a genetic variant that explains their toe walking. These can be assigned, for example, to the area of myopathies (such as variants of the COL6A3 gene), the area of hereditary neuropathies (such as variants of the KMT2C gene) or the area of metabolic diseases (such as variants of the PYGM gene). In a smaller group of patients with almost identical symptoms, no abnormality is found in the genes of our panel, but spastic paraplegia can be detected. In another small group of our toe walkers, no abnormalities can be detected in the genes analysed in our toe walking panel, nor do they suffer from spastic paraplegia, as is also the case with healthy children. In contrast to these, however, they show a tiptoe gait. These patients suffer from infantile cerebral palsy, in which toe walking can also be observed.

Literature cited by the submitters: PubMed 37091313 (cited by Practice for Gait Abnormalities, David Pomarino, Competency Network Toe Walking C/o Practice Pomarino).

NM_001267550.2(TTN):c.77216C>G (p.Ala25739Gly)

Genes: TTN-AS1 (TTN antisense RNA 1; plus strand), TTN (titin; minus strand). Cytogenetic location: 2q31.2.
Variant type: single nucleotide variant.
Coding change: c.77216C>G on transcript NM_001267550.2 (MANE Select); coding-DNA position 77216, C replaced by G.
Protein change: p.Ala25739Gly; replaces alanine 25739 with glycine.
Molecular consequence: missense variant.
Genome position (GRCh38, 1-based): chr2:178,568,916, G>C on the plus strand (C>G on the coding strand, the complement: TTN is on the minus strand). VCF-style: chr2-178568916-G-C. GRCh37 (hg19) VCF-style: chr2-179433643-G-C.
Other names: p.A24098G:GCT>GGT; c.72293C>G, p.Ala24098Gly (NM_001256850.1); c.50021C>G, p.Ala16674Gly (NM_003319.4); c.69512C>G, p.Ala23171Gly (NM_133378.4); c.50396C>G, p.Ala16799Gly (NM_133432.3); c.50597C>G, p.Ala16866Gly (NM_133437.4); short protein forms A23171G, A25739G, A24098G, A16674G, A16799G, A16866G.
Identifiers: ClinVar variation 192153 (VCV000192153.58), dbSNP rs56391938, ClinGen allele CA302610.